The following is an entry in ClinVar:

ClinVar aggregate classification (germline): Uncertain significance (1 of 4 stars; one submission).

Submission:

Labcorp Genetics (formerly Invitae), Labcorp
Classification: Uncertain significance. Last evaluated: 2021-01-22. Review status: criteria provided, single submitter. Criteria: Invitae Variant Classification Sherloc (09022015). Collection method: clinical testing. Allele origin: germline.
Comment: In summary, the available evidence is currently insufficient to determine the role of this variant in disease. Therefore, it has been classified as a Variant of Uncertain Significance. Algorithms developed to predict the effect of missense changes on protein structure and function are either unavailable or do not agree on the potential impact of this missense change (SIFT: "Deleterious"; PolyPhen-2: "Probably Damaging"; Align-GVGD: "Class C0"). This variant has not been reported in the literature in individuals with RNF168-related conditions. This variant is not present in population databases (ExAC no frequency). This sequence change replaces alanine with proline at codon 450 of the RNF168 protein (p.Ala450Pro). The alanine residue is highly conserved and there is a small physicochemical difference between alanine and proline.

NM_152617.4(RNF168):c.1348G>C (p.Ala450Pro)

Gene: RNF168 (ring finger protein 168; minus strand). Cytogenetic location: 3q29.
Variant type: single nucleotide variant.
Coding change: c.1348G>C on transcript NM_152617.4 (MANE Select); coding-DNA position 1348, G replaced by C.
Protein change: p.Ala450Pro; replaces alanine 450 with proline.
Molecular consequence: missense variant.
Genome position (GRCh38, 1-based): chr3:196,472,187, C>G on the plus strand (G>C on the coding strand, the complement: RNF168 is on the minus strand). VCF-style: chr3-196472187-C-G. GRCh37 (hg19) VCF-style: chr3-196199058-C-G.
Other names: short protein forms A450P.
Identifiers: ClinVar variation 1000991 (VCV001000991.5), dbSNP rs1438016191, ClinGen allele CA355616250.